The following is an entry in ClinVar:

NM_000038.6(APC):c.646-2890T>C

Gene: APC (APC regulator of WNT signaling pathway; plus strand). Cytogenetic location: 5q22.2.
Variant type: single nucleotide variant.
Coding change: c.646-2890T>C on transcript NM_000038.6 (MANE Select); 2890 bases into the intron before coding-DNA position 646, T replaced by C.
Molecular consequence: intron variant.
Genome position (GRCh38, 1-based): chr5:112,789,556, T>C. VCF-style: chr5-112789556-T-C. GRCh37 (hg19) VCF-style: chr5-112125253-T-C.
Other names: c.646-2890T>C (NM_001354895.2, NM_001127510.3, NM_001354896.2 and 1 more transcripts); c.676-2890T>C (NM_001354897.2, NM_001354902.2); c.675+8653T>C (NM_001127511.3); c.571-2890T>C (NM_001354898.2, NM_001354904.2); c.-390-2890T>C (NM_001354906.2); c.645+8653T>C (NM_001354899.2); c.469-2890T>C (NM_001354900.2, NM_001354901.2, NM_001354905.2).
Identifiers: ClinVar variation 82470 (VCV000082470.2), dbSNP rs76574046, ClinGen allele CA011792.

ClinVar aggregate classification (germline): other (0 of 4 stars; one submission).

Conditions:
Familial colorectal cancer. Identifiers: MedGen CN280943, MONDO:0023113. Disease mechanism: loss of function.

Submission:

Systems Biology Platform Zhejiang California International NanoSystems Institute
Classification: other for Familial colorectal cancer. Review status: no assertion criteria provided. Collection method: not provided. Allele origin: unknown.
ClinVar note: Converted during submission from cancer to other.